The following is an entry in ClinVar:

ClinVar aggregate classification (germline): Uncertain significance. Review status: criteria provided, single submitter (1 of 4 stars). 2 submissions from 2 submitters: Uncertain significance (1). 1 of the submissions does not count toward it. Last evaluated 2022-09-29.

Conditions:
CFAP418-related disorder. Also called: CFAP418-related condition.

Allele frequency attached by ClinVar (database versions not stated): gnomAD exomes 0.00002; ExAC 0.00004; TOPMed 0.00007; ESP Exome Variant Server 0.00008; gnomAD 0.00009; 1000 Genomes Project 30x 0.00031; 1000 Genomes Project 0.00040.
gnomAD v4.1: 25 of 1,614,210 alleles (0.0015%); highest among the groups gnomAD compares: African/African-American, 0.029%; no homozygotes.

Submissions (2):

Blueprint Genetics
Classification: Uncertain significance. Last evaluated: 2022-09-29. Review status: criteria provided, single submitter. Criteria: ACMG Guidelines, 2015. Collection method: clinical testing. Allele origin: germline.

PreventionGenetics, part of Exact Sciences
Classification: Uncertain significance for CFAP418-related condition. Last evaluated: 2023-12-30. Review status: no assertion criteria provided. Collection method: clinical testing. Allele origin: germline. Not counted in ClinVar's aggregate classification.
Comment: The CFAP418 c.620A>G variant is predicted to result in the amino acid substitution p.His207Arg. To our knowledge, this variant has not been reported in the literature. This variant is reported in 0.040% of alleles in individuals of African descent in gnomAD. At this time, the clinical significance of this variant is uncertain due to the absence of conclusive functional and genetic evidence.

NM_177965.4(CFAP418):c.620A>G (p.His207Arg)

Gene: CFAP418 (cilia and flagella associated protein 418; minus strand). Cytogenetic location: 8q22.1.
Variant type: single nucleotide variant.
Coding change: c.620A>G on transcript NM_177965.4 (MANE Select); coding-DNA position 620, A replaced by G.
Protein change: p.His207Arg; replaces histidine 207 with arginine.
Molecular consequence: missense variant.
Genome position (GRCh38, 1-based): chr8:95,247,621, T>C on the plus strand (A>G on the coding strand, the complement: CFAP418 is on the minus strand). VCF-style: chr8-95247621-T-C. GRCh37 (hg19) VCF-style: chr8-96259849-T-C.
Other names: c.524A>G, p.His175Arg (NM_001363260.1); short protein forms H175R, H207R.
Identifiers: ClinVar variation 3033130 (VCV003033130.3), dbSNP rs372201826, ClinGen allele CA4815100.